The following is an entry in ClinVar:

NM_057175.5(NAA15):c.2356T>A (p.Leu786Met)

Gene: NAA15 (N-alpha-acetyltransferase 15, NatA auxiliary subunit; plus strand). Cytogenetic location: 4q31.1.
Variant type: single nucleotide variant.
Coding change: c.2356T>A on transcript NM_057175.5 (MANE Select); coding-DNA position 2356, T replaced by A.
Protein change: p.Leu786Met; replaces leucine 786 with methionine.
Molecular consequence: missense variant.
Genome position (GRCh38, 1-based): chr4:139,386,186, T>A. VCF-style: chr4-139386186-T-A. GRCh37 (hg19) VCF-style: chr4-140307340-T-A.
Other names: c.2353T>A, p.Leu785Met (NM_001410842.1); c.*765T>A (NM_025085.2); short protein forms L786M, L785M.
Identifiers: ClinVar variation 2711834 (VCV002711834.3), dbSNP rs569154393, ClinGen allele CA3083828.

ClinVar aggregate classification (germline): Uncertain significance (1 of 4 stars; one submission).

Allele frequency attached by ClinVar (database versions not stated): 1000 Genomes Project 30x 0.00016; 1000 Genomes Project 0.00020.
gnomAD v4.1: 22 of 1,611,334 alleles (0.0014%); highest among the groups gnomAD compares: African/African-American, 0.027%; no homozygotes.

Submission:

Labcorp Genetics (formerly Invitae), Labcorp
Classification: Uncertain significance. Last evaluated: 2023-11-08. Review status: criteria provided, single submitter. Criteria: Invitae Variant Classification Sherloc (09022015). Collection method: clinical testing. Allele origin: germline.
Comment: This sequence change replaces leucine, which is neutral and non-polar, with methionine, which is neutral and non-polar, at codon 786 of the NAA15 protein (p.Leu786Met). This variant is present in population databases (rs569154393, gnomAD 0.03%). This variant has not been reported in the literature in individuals affected with NAA15-related conditions. An algorithm developed to predict the effect of missense changes on protein structure and function (PolyPhen-2) suggests that this variant is likely to be tolerated. In summary, the available evidence is currently insufficient to determine the role of this variant in disease. Therefore, it has been classified as a Variant of Uncertain Significance.